The following is an entry in ClinVar:

NM_001378778.1(MPDZ):c.2045A>G (p.Gln682Arg)

Gene: MPDZ (multiple PDZ domain crumbs cell polarity complex component; minus strand). Cytogenetic location: 9p23.
Variant type: single nucleotide variant.
Coding change: c.2045A>G on transcript NM_001378778.1 (MANE Select); coding-DNA position 2045, A replaced by G.
Protein change: p.Gln682Arg; replaces glutamine 682 with arginine.
Molecular consequence: missense variant.
Genome position (GRCh38, 1-based): chr9:13,190,223, T>C on the plus strand (A>G on the coding strand, the complement: MPDZ is on the minus strand). VCF-style: chr9-13190223-T-C. GRCh37 (hg19) VCF-style: chr9-13190222-T-C.
Other names: c.2045A>G, p.Gln682Arg (NM_001261406.2, NM_001261407.2, NM_001330637.2 and 14 more transcripts); short protein forms Q682R.
Identifiers: ClinVar variation 1439709 (VCV001439709.3), dbSNP rs377725461, ClinGen allele CA4987576.

ClinVar aggregate classification (germline): Uncertain significance (1 of 4 stars; one submission).

Allele frequency attached by ClinVar (database versions not stated): ExAC 0.00002; gnomAD 0.00002; gnomAD exomes 0.00002 and 0.00004; TOPMed 0.00002; ESP Exome Variant Server 0.00016.
gnomAD v4.1: 59 of 1,612,866 alleles (0.0037%); highest among the groups gnomAD compares: Non-Finnish European, 0.0046%; no homozygotes.

Submission:

Labcorp Genetics (formerly Invitae), Labcorp
Classification: Uncertain significance. Last evaluated: 2022-02-08. Review status: criteria provided, single submitter. Criteria: Invitae Variant Classification Sherloc (09022015). Collection method: clinical testing. Allele origin: germline.
Comment: This sequence change replaces glutamine, which is neutral and polar, with arginine, which is basic and polar, at codon 682 of the MPDZ protein (p.Gln682Arg). This variant is present in population databases (rs377725461, gnomAD 0.005%). This variant has not been reported in the literature in individuals affected with MPDZ-related conditions. Algorithms developed to predict the effect of missense changes on protein structure and function output the following: SIFT: "Tolerated"; PolyPhen-2: "Benign"; Align-GVGD: "Class C0". The arginine amino acid residue is found in multiple mammalian species, which suggests that this missense change does not adversely affect protein function. In summary, the available evidence is currently insufficient to determine the role of this variant in disease. Therefore, it has been classified as a Variant of Uncertain Significance.